The following is an entry in ClinVar:

NM_005802.5(TOPORS):c.1058A>G (p.His353Arg)

Gene: TOPORS (TOP1 binding arginine/serine rich protein, E3 ubiquitin ligase; minus strand). Cytogenetic location: 9p21.1.
Variant type: single nucleotide variant.
Coding change: c.1058A>G on transcript NM_005802.5 (MANE Select); coding-DNA position 1058, A replaced by G.
Protein change: p.His353Arg; replaces histidine 353 with arginine.
Molecular consequence: missense variant.
Genome position (GRCh38, 1-based): chr9:32,543,467, T>C on the plus strand (A>G on the coding strand, the complement: TOPORS is on the minus strand). VCF-style: chr9-32543467-T-C. GRCh37 (hg19) VCF-style: chr9-32543465-T-C.
Other names: c.863A>G, p.His288Arg (NM_001195622.2); short protein forms H288R, H353R.
Identifiers: ClinVar variation 1467824 (VCV001467824.6), dbSNP rs2118968557, ClinGen allele CA373171272.

ClinVar aggregate classification (germline): Uncertain significance (1 of 4 stars; one submission).

Allele frequency attached by ClinVar (database versions not stated): gnomAD exomes below 0.00001.
gnomAD v4.1: 1 of 1,613,900 alleles (0.000062%); highest among the groups gnomAD compares: Non-Finnish European, 0.000085%; no homozygotes.

Submission:

Labcorp Genetics (formerly Invitae), Labcorp
Classification: Uncertain significance. Last evaluated: 2022-07-12. Review status: criteria provided, single submitter. Criteria: Invitae Variant Classification Sherloc (09022015). Collection method: clinical testing. Allele origin: germline.
Comment: In summary, the available evidence is currently insufficient to determine the role of this variant in disease. Therefore, it has been classified as a Variant of Uncertain Significance. Algorithms developed to predict the effect of missense changes on protein structure and function are either unavailable or do not agree on the potential impact of this missense change (SIFT: "Deleterious"; PolyPhen-2: "Probably Damaging"; Align-GVGD: "Class C0"). ClinVar contains an entry for this variant (Variation ID: 1467824). This variant has not been reported in the literature in individuals affected with TOPORS-related conditions. This variant is not present in population databases (gnomAD no frequency). This sequence change replaces histidine, which is basic and polar, with arginine, which is basic and polar, at codon 353 of the TOPORS protein (p.His353Arg).